The following is an entry in ClinVar:

NM_005235.3(ERBB4):c.955G>A (p.Gly319Arg)

Gene: ERBB4 (erb-b2 receptor tyrosine kinase 4; minus strand). Cytogenetic location: 2q34.
Variant type: single nucleotide variant.
Coding change: c.955G>A on transcript NM_005235.3 (MANE Select); coding-DNA position 955, G replaced by A.
Protein change: p.Gly319Arg; replaces glycine 319 with arginine.
Molecular consequence: missense variant.
Genome position (GRCh38, 1-based): chr2:211,713,577, C>T on the plus strand (G>A on the coding strand, the complement: ERBB4 is on the minus strand). VCF-style: chr2-211713577-C-T. GRCh37 (hg19) VCF-style: chr2-212578302-C-T.
Other names: c.955G>A, p.Gly319Arg (NM_001042599.2); short protein forms G319R.
Identifiers: ClinVar variation 2994941 (VCV002994941.3), dbSNP rs759603522, ClinGen allele CA64760225.

ClinVar aggregate classification (germline): Uncertain significance (1 of 4 stars; one submission).

Allele frequency attached by ClinVar (database versions not stated): TOPMed 0.00001.
gnomAD v4.1: 69 of 1,612,696 alleles (0.0043%); highest among the groups gnomAD compares: East Asian, 0.15%; no homozygotes.

Submission:

Labcorp Genetics (formerly Invitae), Labcorp
Classification: Uncertain significance. Last evaluated: 2023-12-05. Review status: criteria provided, single submitter. Criteria: Invitae Variant Classification Sherloc (09022015). Collection method: clinical testing. Allele origin: germline.
Comment: This sequence change replaces glycine, which is neutral and non-polar, with arginine, which is basic and polar, at codon 319 of the ERBB4 protein (p.Gly319Arg). This variant is present in population databases (no rsID available, gnomAD 0.01%). This variant has not been reported in the literature in individuals affected with ERBB4-related conditions. Advanced modeling of protein sequence and biophysical properties (such as structural, functional, and spatial information, amino acid conservation, physicochemical variation, residue mobility, and thermodynamic stability) has been performed at Invitae for this missense variant, however the output from this modeling did not meet the statistical confidence thresholds required to predict the impact of this variant on ERBB4 protein function. In summary, the available evidence is currently insufficient to determine the role of this variant in disease. Therefore, it has been classified as a Variant of Uncertain Significance.